The following is an entry in ClinVar:

NM_024514.5(CYP2R1):c.4T>C (p.Trp2Arg)

Genes: PDE3B (phosphodiesterase 3B; plus strand), CYP2R1 (cytochrome P450 family 2 subfamily R member 1; minus strand). Cytogenetic location: 11p15.2.
Variant type: single nucleotide variant.
Coding change: c.4T>C on transcript NM_024514.5 (MANE Select); coding-DNA position 4, T replaced by C.
Protein change: p.Trp2Arg; replaces tryptophan 2 with arginine.
Molecular consequence: missense variant.
Genome position (GRCh38, 1-based): chr11:14,892,202, A>G on the plus strand (T>C on the coding strand, the complement: CYP2R1 is on the minus strand). VCF-style: chr11-14892202-A-G. GRCh37 (hg19) VCF-style: chr11-14913748-A-G.
Other names: p.Trp2Arg; c.4T>C (NM_024514.4); short protein forms W2R.
Identifiers: ClinVar variation 1592939 (VCV001592939.10), dbSNP rs199997444, ClinGen allele CA5896839.

ClinVar aggregate classification (germline): Conflicting classifications of pathogenicity. Review status: criteria provided, conflicting classifications (1 of 4 stars). 3 submissions from 3 submitters: Uncertain significance (1); Likely benign (2). Last evaluated 2025-12-06.

Allele frequency attached by ClinVar (database versions not stated): 1000 Genomes Project 0.00100; ESP Exome Variant Server 0.00106; gnomAD 0.00121 and 0.00136; TOPMed 0.00139; ExAC 0.00044; 1000 Genomes Project 30x 0.00094.
gnomAD v4.1: 355 of 1,609,748 alleles (0.022%); highest among the groups gnomAD compares: African/African-American, 0.43%; 1 homozygote.

Submissions (3):

Labcorp Genetics (formerly Invitae), Labcorp
Classification: Likely benign. Last evaluated: 2025-12-06. Review status: criteria provided, single submitter. Criteria: Invitae Variant Classification Sherloc (09022015). Collection method: clinical testing. Allele origin: germline.

GeneDx
Classification: Likely benign. Last evaluated: 2025-03-07. Review status: criteria provided, single submitter. Criteria: GeneDx Variant Classification Process June 2021. Collection method: clinical testing. Allele origin: germline. Affected: yes.
Comment: See Variant Classification Assertion Criteria.

Mayo Clinic Laboratories, Mayo Clinic
Classification: Uncertain significance. Last evaluated: 2023-04-04. Review status: criteria provided, single submitter. Criteria: ACMG Guidelines, 2015. Collection method: clinical testing. Allele origin: germline. Observed: 2 variant alleles.
Comment: BP4